The following is an entry in ClinVar:

NM_000090.4(COL3A1):c.38T>C (p.Leu13Pro)

Gene: COL3A1 (collagen type III alpha 1 chain; plus strand). Cytogenetic location: 2q32.2.
Variant type: single nucleotide variant.
Coding change: c.38T>C on transcript NM_000090.4 (MANE Select); coding-DNA position 38, T replaced by C.
Protein change: p.Leu13Pro; replaces leucine 13 with proline.
Molecular consequence: missense variant.
Genome position (GRCh38, 1-based): chr2:188,974,527, T>C. VCF-style: chr2-188974527-T-C. GRCh37 (hg19) VCF-style: chr2-189839253-T-C.
Other names: short protein forms L13P.
Identifiers: ClinVar variation 1303008 (VCV001303008.2), dbSNP rs2153500016, ClinGen allele CA349845420.
Genomic context (GRCh38, chr2:188,974,527, plus strand): 5'-AGTCTCATGTCTGATATTTAGACATGATGAGCTTTGTGCAAAAGGGGAGCTGGCTACTTC[T>C]CGCTCTGCTTCATCCCACTATTATTTTGGCACAACAGGAAGGTGAGTAGGTACTGATTTC-3'
Protein context (NP_000081.2, residues 3-23): SFVQKGSWLL[Leu13Pro]ALLHPTIILA

ClinVar aggregate classification (germline): Uncertain significance (1 of 4 stars; one submission).

Submission:

GeneDx
Classification: Uncertain significance. Last evaluated: 2019-06-10. Review status: criteria provided, single submitter. Criteria: GeneDx Variant Classification Process June 2021. Collection method: clinical testing. Allele origin: germline. Affected: yes.
Comment: Not observed in large population cohorts (Lek et al., 2016); In silico analysis, which includes protein predictors and evolutionary conservation, supports that this variant does not alter protein structure/function; Has not been previously published as pathogenic or benign to our knowledge